The following is an entry in ClinVar:

NM_000222.3(KIT):c.1622T>C (p.Met541Thr)

Gene: KIT (KIT proto-oncogene, receptor tyrosine kinase; plus strand). Cytogenetic location: 4q12.
Variant type: single nucleotide variant.
Coding change: c.1622T>C on transcript NM_000222.3 (MANE Select); coding-DNA position 1622, T replaced by C.
Protein change: p.Met541Thr; replaces methionine 541 with threonine.
Molecular consequence: missense variant.
Genome position (GRCh38, 1-based): chr4:54,727,299, T>C. VCF-style: chr4-54727299-T-C. GRCh37 (hg19) VCF-style: chr4-55593465-T-C.
Other names: c.1610T>C, p.Met537Thr (NM_001093772.2, NM_001385286.1); c.1625T>C, p.Met542Thr (NM_001385284.1, NM_001385290.1); c.1622T>C, p.Met541Thr (NM_001385285.1); c.1613T>C, p.Met538Thr (NM_001385288.1, NM_001385292.1); short protein forms M542T, M538T, M541T, M537T.
Identifiers: ClinVar variation 1515066 (VCV001515066.8), dbSNP rs2109774437, ClinGen allele CA356907341.

ClinVar aggregate classification (germline): Uncertain significance (1 of 4 stars; one submission).

Conditions:
Gastrointestinal stromal tumor. Also called: Gastrointestinal stromal tumor, somatic; Gastrointestinal stroma tumor. Identifiers: Orphanet 44890, MedGen C0238198, MeSH D046152, MONDO:0011719, OMIM 606764, HP:0100723.

Submission:

Labcorp Genetics (formerly Invitae), Labcorp
Classification: Uncertain significance for Gastrointestinal stromal tumor. Last evaluated: 2024-09-06. Review status: criteria provided, single submitter. Criteria: Invitae Variant Classification Sherloc (09022015). Collection method: clinical testing. Allele origin: germline.
Comment: This sequence change replaces methionine, which is neutral and non-polar, with threonine, which is neutral and polar, at codon 541 of the KIT protein (p.Met541Thr). This variant is not present in population databases (gnomAD no frequency). This variant has not been reported in the literature in individuals affected with KIT-related conditions. ClinVar contains an entry for this variant (Variation ID: 1515066). An algorithm developed to predict the effect of missense changes on protein structure and function (PolyPhen-2) suggests that this variant is likely to be tolerated. In summary, the available evidence is currently insufficient to determine the role of this variant in disease. Therefore, it has been classified as a Variant of Uncertain Significance.